The following is an entry in ClinVar:

ClinVar aggregate classification (germline): Uncertain significance. Review status: criteria provided, multiple submitters, no conflicts (2 of 4 stars). 2 submissions from 2 submitters: Uncertain significance (2). Last evaluated 2024-09-11.

Conditions:
Peroxisome biogenesis disorder, complementation group K (CGK). Identifiers: MedGen C1866257, MONDO:0800365.

Submissions (2):

Labcorp Genetics (formerly Invitae), Labcorp
Classification: Uncertain significance for Peroxisome biogenesis disorder, complementation group K. Last evaluated: 2024-09-11. Review status: criteria provided, single submitter. Criteria: Invitae Variant Classification Sherloc (09022015). Collection method: clinical testing. Allele origin: germline.
Comment: This sequence change replaces leucine, which is neutral and non-polar, with proline, which is neutral and non-polar, at codon 132 of the PEX14 protein (p.Leu132Pro). This variant is not present in population databases (gnomAD no frequency). This variant has not been reported in the literature in individuals affected with PEX14-related conditions. ClinVar contains an entry for this variant (Variation ID: 501156). Invitae Evidence Modeling of protein sequence and biophysical properties (such as structural, functional, and spatial information, amino acid conservation, physicochemical variation, residue mobility, and thermodynamic stability) indicates that this missense variant is expected to disrupt PEX14 protein function with a positive predictive value of 80%. In summary, the available evidence is currently insufficient to determine the role of this variant in disease. Therefore, it has been classified as a Variant of Uncertain Significance.

Eurofins Ntd Llc (ga)
Classification: Uncertain significance. Last evaluated: 2017-03-30. Review status: criteria provided, single submitter. Criteria: EGL Classification Definitions 2015. Collection method: clinical testing. Allele origin: germline. Observed: 1 variant allele, 1 heterozygote.

NM_004565.3(PEX14):c.395T>C (p.Leu132Pro)

Gene: PEX14 (peroxisomal biogenesis factor 14; plus strand). Cytogenetic location: 1p36.22.
Variant type: single nucleotide variant.
Coding change: c.395T>C on transcript NM_004565.3 (MANE Select); coding-DNA position 395, T replaced by C.
Protein change: p.Leu132Pro; replaces leucine 132 with proline.
Molecular consequence: missense variant.
Genome position (GRCh38, 1-based): chr1:10,623,029, T>C. VCF-style: chr1-10623029-T-C. GRCh37 (hg19) VCF-style: chr1-10683086-T-C.
Other names: short protein forms L132P.
Identifiers: ClinVar variation 501156 (VCV000501156.9), dbSNP rs1553121467, ClinGen allele CA338333073.
Genomic context (GRCh38, chr1:10,623,029, plus strand): 5'-GGATAACCCCGGGTCCGTATGCATTCCTCACCCTGTCCCGCTTCTTGCAGAAATACCTGC[T>C]CCCCCTCATCCTGGGCGGCCGAGAGGACAGAAAGCAGCTGGAGAGGATGGAGGCCGGTCT-3'
Protein context (NP_004556.1, residues 122-142): GFHQLYKKYL[Leu132Pro]PLILGGREDR